The following is an entry in ClinVar:

ClinVar aggregate classification (germline): Uncertain significance (1 of 4 stars; one submission).

Submission:

CeGaT Center for Human Genetics Tuebingen
Classification: Uncertain significance. Last evaluated: 2024-02-01. Review status: criteria provided, single submitter. Criteria: CeGaT Center For Human Genetics Tuebingen Variant Classification Criteria Version 2. Collection method: clinical testing. Allele origin: germline. Affected: yes. Observed: 1 variant allele.
Comment: SOX4: PM2

NM_003107.3(SOX4):c.1299T>A (p.Asp433Glu)

Gene: SOX4 (SRY-box transcription factor 4; plus strand). Cytogenetic location: 6p22.3.
Variant type: single nucleotide variant.
Coding change: c.1299T>A on transcript NM_003107.3 (MANE Select); coding-DNA position 1299, T replaced by A.
Protein change: p.Asp433Glu; replaces aspartic acid 433 with glutamic acid.
Molecular consequence: missense variant.
Genome position (GRCh38, 1-based): chr6:21,595,833, T>A. VCF-style: chr6-21595833-T-A. GRCh37 (hg19) VCF-style: chr6-21596064-T-A.
Other names: short protein forms D433E.
Identifiers: ClinVar variation 3027207 (VCV003027207.22), dbSNP rs2532641961, ClinGen allele CA363272347.
Genomic context (GRCh38, chr6:21,595,833, plus strand): 5'-CTTTGAGAGCATGTCCCTGGGCAGCTTCAGTTCGTCGTCGGCGCTCGACCGGGACCTGGA[T>A]TTTAACTTCGAGCCCGGCTCCGGCTCGCACTTCGAGTTCCCGGACTACTGCACGCCCGAG-3'
Protein context (NP_003098.1, residues 423-443): SSSSALDRDL[Asp433Glu]FNFEPGSGSH